The following is an entry in ClinVar:

NM_031407.7(HUWE1):c.2248G>C (p.Glu750Gln)

Gene: HUWE1 (HECT, UBA and WWE domain containing E3 ubiquitin protein ligase 1; minus strand). Cytogenetic location: Xp11.22.
Variant type: single nucleotide variant.
Coding change: c.2248G>C on transcript NM_031407.7 (MANE Select); coding-DNA position 2248, G replaced by C.
Protein change: p.Glu750Gln; replaces glutamic acid 750 with glutamine.
Molecular consequence: missense variant.
Genome position (GRCh38, 1-based): chrX:53,614,547, C>G on the plus strand (G>C on the coding strand, the complement: HUWE1 is on the minus strand). VCF-style: chrX-53614547-C-G. GRCh37 (hg19) VCF-style: chrX-53641508-C-G.
Other names: short protein forms E750Q.
Identifiers: ClinVar variation 4056770 (VCV004056770.1).

ClinVar aggregate classification (germline): Uncertain significance (1 of 4 stars; one submission).

Conditions:
Intellectual developmental disorder, X-linked, syndromic, Turner type. Also called: X-linked intellectual disability, Turner type; Intellectual disability, X-linked syndromic, Turner type. Identifiers: Orphanet 3056, Orphanet 85328, MedGen C2678046, MONDO:0010407, OMIM 309590.

Submission:

Laboratorio de Genetica e Diagnostico Molecular, Hospital Israelita Albert Einstein
Classification: Uncertain significance for Intellectual developmental disorder, X-linked, syndromic, Turner type. Last evaluated: 2024-09-25. Review status: criteria provided, single submitter. Criteria: ACMG Guidelines, 2015. Collection method: clinical testing. Allele origin: germline. Affected: yes.
Comment: ACMG classification criteria: PM2 supporting, BP4 supporting